The following is an entry in ClinVar:

ClinVar aggregate classification (germline): Uncertain significance (1 of 4 stars; one submission).

Conditions:
PLXNA4-related disorder. Also called: PLXNA4-related condition.

gnomAD v4.1: 1 of 1,613,990 alleles (0.000062%); highest among the groups gnomAD compares: Non-Finnish European, 0.000085%; no homozygotes.

Submission:

PreventionGenetics, part of Exact Sciences
Classification: Uncertain significance for PLXNA4-related condition. Last evaluated: 2024-11-02. Review status: criteria provided, single submitter. Criteria: ACMG Guidelines, 2015. Collection method: clinical testing. Allele origin: germline.
Comment: The PLXNA4 c.1934C>T variant is predicted to result in the amino acid substitution p.Thr645Ile. To our knowledge, this variant has not been reported in the literature or in a large population database (gnomAD), indicating this variant is rare. At this time, the clinical significance of this variant is uncertain due to the absence of conclusive functional and genetic evidence.

NM_020911.2(PLXNA4):c.1934C>T (p.Thr645Ile)

Gene: PLXNA4 (plexin A4; minus strand). Cytogenetic location: 7q32.3.
Variant type: single nucleotide variant.
Coding change: c.1934C>T on transcript NM_020911.2 (MANE Select); coding-DNA position 1934, C replaced by T.
Protein change: p.Thr645Ile; replaces threonine 645 with isoleucine.
Molecular consequence: missense variant.
Genome position (GRCh38, 1-based): chr7:132,226,209, G>A on the plus strand (C>T on the coding strand, the complement: PLXNA4 is on the minus strand). VCF-style: chr7-132226209-G-A. GRCh37 (hg19) VCF-style: chr7-131910968-G-A.
Other names: c.1934C>T, p.Thr645Ile (NM_001393897.1); short protein forms T645I.
Identifiers: ClinVar variation 4983588 (VCV004983588.1).